The following is an entry in ClinVar:

NM_207361.6(FREM2):c.4960A>C (p.Ser1654Arg)

Gene: FREM2 (FRAS1 related extracellular matrix 2; plus strand). Cytogenetic location: 13q13.3.
Variant type: single nucleotide variant.
Coding change: c.4960A>C on transcript NM_207361.6 (MANE Select); coding-DNA position 4960, A replaced by C.
Protein change: p.Ser1654Arg; replaces serine 1654 with arginine.
Molecular consequence: missense variant.
Genome position (GRCh38, 1-based): chr13:38,692,304, A>C. VCF-style: chr13-38692304-A-C. GRCh37 (hg19) VCF-style: chr13-39266441-A-C.
Other names: short protein forms S1654R.
Identifiers: ClinVar variation 698110 (VCV000698110.31), dbSNP rs114595447, ClinGen allele CA6955107.
Genomic context (GRCh38, chr13:38,692,304, plus strand): 5'-ACGGTGTTTGAAACAAGGAGACCCCAAGTGATGAAGATCCAGGTCTTGGCTGTTGACAAC[A>C]GTGTCCCCCAAATCGCAGTGAATAAGGGGGCCTCTACACTTCGCACTCTAGCCACTGGCC-3'
Protein context (NP_997244.4, residues 1644-1664): MKIQVLAVDN[Ser1654Arg]VPQIAVNKGA

ClinVar aggregate classification (germline): Conflicting classifications of pathogenicity. Review status: criteria provided, conflicting classifications (1 of 4 stars). 8 submissions from 8 submitters: Uncertain significance (2); Likely benign (5). 1 of the submissions does not count toward it. Last evaluated 2026-01-24.

Conditions:
Inborn genetic diseases. Identifiers: MedGen C0950123, MeSH D030342.
FREM2-related disorder. Also called: FREM2-related condition.
Fraser syndrome 2 (FRASRS2). Identifiers: MedGen C4540036, MONDO:0054738, OMIM 617666.
Isolated cryptophthalmia. Also called: Cryptophthalmos, unilateral or bilateral, isolated; ANKYLOBLEPHARON, SIMPLE. Identifiers: Orphanet 91396, MedGen C1852453, MONDO:0007410, OMIM 123570.

Allele frequency attached by ClinVar (database versions not stated): gnomAD exomes 0.00019 and 0.00023; ExAC 0.00022; ESP Exome Variant Server 0.00031; gnomAD 0.00045 and 0.00046; TOPMed 0.00046; 1000 Genomes Project 30x 0.00094; 1000 Genomes Project 0.00100.
gnomAD v4.1: 367 of 1,611,014 alleles (0.023%); highest among the groups gnomAD compares: Middle Eastern, 0.22%; 1 homozygote.

Submissions (8):

Labcorp Genetics (formerly Invitae), Labcorp
Classification: Likely benign. Last evaluated: 2026-01-24. Review status: criteria provided, single submitter. Criteria: Invitae Variant Classification Sherloc (09022015). Collection method: clinical testing. Allele origin: germline.

PreventionGenetics, part of Exact Sciences
Classification: Likely benign for FREM2-related condition. Last evaluated: 2025-12-20. Review status: criteria provided, single submitter. Criteria: ACMG Guidelines, 2015. Collection method: clinical testing. Allele origin: germline.
Comment: This variant is classified as likely benign based on ACMG/AMP sequence variant interpretation guidelines (Richards et al. 2015 PMID: 25741868, with internal and published modifications).

Blueprint Genetics
Classification: Likely benign. Last evaluated: 2024-11-18. Review status: criteria provided, single submitter. Criteria: ACMG Guidelines, 2015. Collection method: clinical testing. Allele origin: germline.

CeGaT Center for Human Genetics Tuebingen
Classification: Likely benign. Last evaluated: 2024-10-01. Review status: criteria provided, single submitter. Criteria: CeGaT Center For Human Genetics Tuebingen Variant Classification Criteria Version 2. Collection method: clinical testing. Allele origin: germline. Affected: yes. Observed: 1 variant allele.
Comment: FREM2: BP4

Fulgent Genetics
Classification: Likely benign for Isolated cryptophthalmia; Fraser syndrome 2. Last evaluated: 2024-02-23. Review status: criteria provided, single submitter. Criteria: ACMG Guidelines, 2015. Collection method: clinical testing. Allele origin: germline.

Ambry Genetics
Classification: Uncertain significance for Inborn genetic diseases. Last evaluated: 2021-08-13. Review status: criteria provided, single submitter. Criteria: Ambry Variant Classification Scheme 2023. Collection method: clinical testing. Allele origin: germline.

Illumina Laboratory Services, Illumina
Classification: Uncertain significance for Fraser syndrome 2. Last evaluated: 2018-01-13. Review status: criteria provided, single submitter. Criteria: ICSL Variant Classification Criteria 13 December 2019. Collection method: clinical testing. Allele origin: germline.

Department of Pathology and Laboratory Medicine, Sinai Health System
Classification: Uncertain significance. Review status: no assertion criteria provided. Collection method: clinical testing. Allele origin: unknown. Affected: yes. Study: The Canadian Open Genetics Repository (COGR). Not counted in ClinVar's aggregate classification.
Comment: The FREM2 p.(Ser1654Arg) variant was not identified in the literature nor was it identified in ClinVar, Cosmic, LOVD 3.0, The variant was also identified in dbSNP (ID: rs114595447). The variant was not identified in the following control databases: the 1000 Genomes Project, the NHLBI GO Exome Sequencing Project, the Exome Aggregation Consortium (August 8th 2016), or the Genome Aggregation Database (Feb 27, 2017). The variant occurs outside of the splicing consensus sequence and 2 of 4 in silico or computational prediction software programs (SpliceSiteFinder, MaxEntScan, NNSPLICE, GeneSplicer), SpliceSiteFinder-like and MaxEntScan predict the loss of a 3' splice site a the point of variation. MaxEntScan also predicts a greater than 10% gain in strength of 3' splice site c.4988; although this is not very predictive of pathogenicity. The p.Ser1654 residue is not conserved in mammals and computational analyses (PolyPhen-2, SIFT, AlignGVGD, BLOSUM, MutationTaster) provide inconsistent predictions regarding the impact to the protein; this information is not very predictive of pathogenicity. In summary, based on the above information the clinical significance of this variant cannot be determined with certainty at this time. This variant is classified as a variant of uncertain significance.